The following is an entry in ClinVar:

ClinVar aggregate classification (germline): Pathogenic. Review status: criteria provided, multiple submitters, no conflicts (2 of 4 stars). 4 submissions from 4 submitters: Pathogenic (4). Last evaluated 2025-08-28.

Conditions:
Hereditary cancer-predisposing syndrome. Also called: Neoplastic Syndromes, Hereditary; Tumor predisposition; Hereditary neoplastic syndrome; Hereditary Cancer Syndrome. Identifiers: Orphanet 140162, MedGen C0027672, MeSH D009386, MONDO:0015356.
Multiple endocrine neoplasia type 2A. Also called: Multiple Endocrine Neoplasia Type 2A (MEN2A); MULTIPLE ENDOCRINE NEOPLASIA, TYPE IIA; PTC SYNDROME; SIPPLE SYNDROME; MEN 2A; MEN-2A syndrome. Identifiers: Orphanet 247698, Orphanet 653, MedGen C0025268, MeSH D018813, MONDO:0008234, OMIM 171400.
Multiple endocrine neoplasia, type 2 (MEN2). Identifiers: Orphanet 653, MedGen C4048306, MONDO:0019003. Disease mechanism: gain of function.

Submissions (4):

Ambry Genetics
Classification: Pathogenic for Hereditary cancer-predisposing syndrome. Last evaluated: 2025-08-28. Review status: criteria provided, single submitter. Criteria: Ambry Variant Classification Scheme 2023. Collection method: clinical testing. Allele origin: germline.
Comment: The p.C609S pathogenic mutation (also known as c.1826G>C), located in coding exon 10 of the RET gene, results from a G to C substitution at nucleotide position 1826. The cysteine at codon 609 is replaced by serine, an amino acid with dissimilar properties. Codon 609 of the RET gene is a known hotspot for MEN2 mutations with well documented phenotype/genotype correlations, and The American Thyroid Association Guidelines Task Force has provided recommendations (Wells SA, Thyroid 2015 Jun; 25(6):567-610.). One study of 65 unrelated medullary thyroid cancer (MTC) families reported the p.C609S mutation in a family affected by MTC and the presence of pheochromocytomas (Klein et al. Journal of Endocrinology (2001) 170, 661&ndash;666). Codon 609 mutations have been well documented to lead to increased risks for MTC, parathyroid disease, pheochromocytomas, and Hirschsprung disease (Mian et al. Familial Cancer (2009) 8:379&ndash;382, Mian C, Clinics (Sao Paulo) 2012 ; 67 Suppl 1:33-6). Based on the supporting evidence, this variant is interpreted as a disease-causing mutation.

Labcorp Genetics (formerly Invitae), Labcorp
Classification: Pathogenic for Multiple endocrine neoplasia, type 2. Last evaluated: 2024-04-04. Review status: criteria provided, single submitter. Criteria: Invitae Variant Classification Sherloc (09022015). Collection method: clinical testing. Allele origin: germline.
Comment: This sequence change replaces cysteine, which is neutral and slightly polar, with serine, which is neutral and polar, at codon 609 of the RET protein (p.Cys609Ser). This variant is not present in population databases (gnomAD no frequency). This missense change has been observed in individuals with multiple endocrine neoplasia type 2A (PMID: 11524247, 16343103, 22584703). It has also been observed to segregate with disease in related individuals. ClinVar contains an entry for this variant (Variation ID: 1372611). An algorithm developed to predict the effect of missense changes on protein structure and function (PolyPhen-2) suggests that this variant is likely to be disruptive. Experimental studies have shown that this missense change affects RET function (PMID: 16343103). This variant disrupts the p.Cys609 amino acid residue in RET. Other variant(s) that disrupt this residue have been determined to be pathogenic (PMID: 19472011, 22734615, 24617864). This suggests that this residue is clinically significant, and that variants that disrupt this residue are likely to be disease-causing. For these reasons, this variant has been classified as Pathogenic.

Myriad Genetics, Inc.
Classification: Pathogenic for Multiple endocrine neoplasia type 2A. Last evaluated: 2023-04-06. Review status: criteria provided, single submitter. Criteria: Myriad Autosomal Dominant, Autosomal Recessive and X-Linked Classification Criteria (2023). Collection method: clinical testing. Allele origin: unknown.
Comment: This variant is considered pathogenic. Functional studies indicate this variant impacts protein function [PMID: 16343103]. This variant has been reported in multiple individuals with clinical features of gene-specific disease [PMID: 16343103, 19475497, 16865647, 18976013, 25810047].

Sema4
Classification: Pathogenic for Hereditary cancer-predisposing syndrome. Last evaluated: 2022-02-03. Review status: criteria provided, single submitter. Criteria: Sema4 Curation Guidelines. Collection method: curation. Allele origin: germline.
Comment: The RET c.1826G>C (p.C609S) variant has been reported in numerous individuals with RET-related disorder presentations including familial medullary thyroid cancer, pheochromocytoma and multiple endocrine neoplasia 2A (PMID: 11524247, 19475497, 30217742, 31510104, 12050290, 20979234, 16343103, 23660872, among others). This variant has been reported in at least 4 families where it was found to segregate with phenotype across several individuals; however a few carriers within these families were asymptomatic (PMID: 19475497, 20979234, 16343103). In silico tools suggest the impact of the variant on protein function is deleterious and transfection experiments using human neuroblastoma cells showed that the mutant RET, unlike the wild-type receptor, is constitutively phosphorylated in the absence of ligand (PMID: 16343103). This variant was not observed in the large and broad cohorts of the Genome Aggregation Database (PMID: 32461654). This variant has not been reported in ClinVar. Different missense changes at this codon (C609R, C618G, C609F, C609W, C609Y) have been reported in individuals affected with familial medullary thyroid cancer or multiple endocrine neoplasia type 2A (PMID: 8807338, 8626834, 22734615, 11955539, 7881414, 7849720). Based on the current evidence available, this variant is interpreted as pathogenic.

Literature cited by the submitters: PubMed 22584703 (cited by Ambry Genetics and Labcorp Genetics (formerly Invitae), Labcorp); PubMed 25810047 (cited by Ambry Genetics and Myriad Genetics, Inc.); PubMed 11524247 (cited by Labcorp Genetics (formerly Invitae), Labcorp and Sema4); PubMed 16343103 (cited by 3 submitters); PubMed 19472011 (cited by Labcorp Genetics (formerly Invitae), Labcorp); PubMed 22734615 (cited by Labcorp Genetics (formerly Invitae), Labcorp and Sema4); PubMed 24617864 (cited by Labcorp Genetics (formerly Invitae), Labcorp); PubMed 19475497 (cited by Myriad Genetics, Inc. and Sema4); PubMed 16865647 (cited by Myriad Genetics, Inc.); PubMed 18976013 (cited by Myriad Genetics, Inc.); PubMed 30217742 (cited by Sema4); PubMed 31510104 (cited by Sema4); PubMed 12050290 (cited by Sema4); PubMed 20979234 (cited by Sema4); PubMed 23660872 (cited by Sema4); PubMed 8807338 (cited by Sema4); PubMed 8626834 (cited by Sema4); PubMed 11955539 (cited by Sema4); PubMed 7881414 (cited by Sema4); PubMed 7849720 (cited by Sema4).

NM_020975.6(RET):c.1826G>C (p.Cys609Ser)

Gene: RET (ret proto-oncogene; plus strand). Cytogenetic location: 10q11.21.
Variant type: single nucleotide variant.
Coding change: c.1826G>C on transcript NM_020975.6 (MANE Select); coding-DNA position 1826, G replaced by C.
Protein change: p.Cys609Ser; replaces cysteine 609 with serine.
Molecular consequence: missense variant.
Genome position (GRCh38, 1-based): chr10:43,113,622, G>C. VCF-style: chr10-43113622-G-C. GRCh37 (hg19) VCF-style: chr10-43609070-G-C.
Other names: c.1826G>C, p.Cys609Ser (NM_000323.2, NM_001406743.1, NM_001406744.1 and 6 more transcripts); c.1064G>C, p.Cys355Ser (NM_001355216.2); c.1697G>C, p.Cys566Ser (NM_001406761.1, NM_001406762.1, NM_001406764.1 and 1 more transcripts); c.1538G>C, p.Cys513Ser (NM_001406766.1, NM_001406767.1, NM_001406770.1); c.1430G>C, p.Cys477Ser (NM_001406769.1, NM_001406772.1); c.1388G>C, p.Cys463Ser (NM_001406771.1, NM_001406773.1); c.1301G>C, p.Cys434Ser (NM_001406774.1); c.1100G>C, p.Cys367Ser (NM_001406775.1, NM_001406776.1, NM_001406777.1 and 1 more transcripts); and 5 more; short protein forms C609S, C355S, C126S, C279S, C214S, C367S, C463S, C477S.
Identifiers: ClinVar variation 1372611 (VCV001372611.10), dbSNP rs77939446, ClinGen allele CA007834.
Genomic context (GRCh38, chr10:43,113,622, plus strand): 5'-GCATTGTTGGGGGACACGAGCCTGGGGAGCCCCGGGGGATTAAAGCTGGCTATGGCACCT[G>C]CAACTGCTTCCCTGAGGAGGAGAAGTGCTTCTGCGAGCCCGAAGACATCCAGGGTGAGTG-3'
Protein context (NP_066124.1, residues 599-619): PRGIKAGYGT[Cys609Ser]NCFPEEEKCF